The following is an entry in ClinVar:

ClinVar aggregate classification (germline): Uncertain significance (1 of 4 stars; one submission).

Conditions:
Hypertrophic cardiomyopathy. Also called: HYPERTROPHIC MYOCARDIOPATHY. Identifiers: Orphanet 217569, MedGen C0007194, MeSH D002312, MONDO:0005045, HP:0001639.

Allele frequency attached by ClinVar (database versions not stated): gnomAD exomes below 0.00001; TOPMed below 0.00001; gnomAD 0.00001.
gnomAD v4.1: 3 of 1,612,338 alleles (0.00019%); highest among the groups gnomAD compares: Admixed American, 0.0017%; no homozygotes.

Submission:

Labcorp Genetics (formerly Invitae), Labcorp
Classification: Uncertain significance for Hypertrophic cardiomyopathy. Last evaluated: 2025-04-23. Review status: criteria provided, single submitter. Criteria: Invitae Variant Classification Sherloc (09022015). Collection method: clinical testing. Allele origin: germline.
Comment: This sequence change replaces glutamic acid, which is acidic and polar, with lysine, which is basic and polar, at codon 1092 of the MYOM1 protein (p.Glu1092Lys). This variant is not present in population databases (gnomAD no frequency). This variant has not been reported in the literature in individuals affected with MYOM1-related conditions. ClinVar contains an entry for this variant (Variation ID: 2413460). Invitae Evidence Modeling of protein sequence and biophysical properties (such as structural, functional, and spatial information, amino acid conservation, physicochemical variation, residue mobility, and thermodynamic stability) indicates that this missense variant is not expected to disrupt MYOM1 protein function with a negative predictive value of 80%. In summary, the available evidence is currently insufficient to determine the role of this variant in disease. Therefore, it has been classified as a Variant of Uncertain Significance.

NM_003803.4(MYOM1):c.3274G>A (p.Glu1092Lys)

Gene: MYOM1 (myomesin 1; minus strand). Cytogenetic location: 18p11.31.
Variant type: single nucleotide variant.
Coding change: c.3274G>A on transcript NM_003803.4 (MANE Select); coding-DNA position 3274, G replaced by A.
Protein change: p.Glu1092Lys; replaces glutamic acid 1092 with lysine.
Molecular consequence: missense variant.
Genome position (GRCh38, 1-based): chr18:3,116,360, C>T on the plus strand (G>A on the coding strand, the complement: MYOM1 is on the minus strand). VCF-style: chr18-3116360-C-T. GRCh37 (hg19) VCF-style: chr18-3116358-C-T.
Other names: c.2986G>A, p.Glu996Lys (NM_019856.2); short protein forms E1092K, E996K.
Identifiers: ClinVar variation 2413460 (VCV002413460.6), dbSNP rs1301224883, ClinGen allele CA401705719.